The following is an entry in ClinVar:

ClinVar aggregate classification (germline): Uncertain significance. Review status: criteria provided, multiple submitters, no conflicts (2 of 4 stars). 2 submissions from 2 submitters: Uncertain significance (2). Last evaluated 2024-09-30.

Conditions:
Ullrich congenital muscular dystrophy 2 (UCMD2). Identifiers: Orphanet 75840, MedGen C4225314, MONDO:0014654, OMIM 616470.
Bethlem myopathy 2 (BTHLM2). Identifiers: Orphanet 536516, Orphanet 610, MedGen C4225313, MONDO:0034022, OMIM 616471.
Inborn genetic diseases. Identifiers: MedGen C0950123, MeSH D030342.

Allele frequency attached by ClinVar (database versions not stated): gnomAD 0.00003 and 0.00004; TOPMed 0.00003.
gnomAD v4.1: 7 of 1,610,760 alleles (0.00043%); highest among the groups gnomAD compares: African/African-American, 0.0067%; no homozygotes.

Submissions (2):

Ambry Genetics
Classification: Uncertain significance for Inborn genetic diseases. Last evaluated: 2024-09-30. Review status: criteria provided, single submitter. Criteria: Ambry Variant Classification Scheme 2023. Collection method: clinical testing. Allele origin: germline.

Labcorp Genetics (formerly Invitae), Labcorp
Classification: Uncertain significance for Bethlem myopathy 2; Ullrich congenital muscular dystrophy 2. Last evaluated: 2024-07-23. Review status: criteria provided, single submitter. Criteria: Invitae Variant Classification Sherloc (09022015). Collection method: clinical testing. Allele origin: germline.
Comment: This sequence change replaces isoleucine, which is neutral and non-polar, with valine, which is neutral and non-polar, at codon 2674 of the COL12A1 protein (p.Ile2674Val). This variant is not present in population databases (gnomAD no frequency). This variant has not been reported in the literature in individuals affected with COL12A1-related conditions. ClinVar contains an entry for this variant (Variation ID: 1046969). Advanced modeling of protein sequence and biophysical properties (such as structural, functional, and spatial information, amino acid conservation, physicochemical variation, residue mobility, and thermodynamic stability) performed at Invitae indicates that this missense variant is not expected to disrupt COL12A1 protein function with a negative predictive value of 80%. In summary, the available evidence is currently insufficient to determine the role of this variant in disease. Therefore, it has been classified as a Variant of Uncertain Significance.

NM_004370.6(COL12A1):c.8020A>G (p.Ile2674Val)

Gene: COL12A1 (collagen type XII alpha 1 chain; minus strand). Cytogenetic location: 6q13.
Variant type: single nucleotide variant.
Coding change: c.8020A>G on transcript NM_004370.6 (MANE Select); coding-DNA position 8020, A replaced by G.
Protein change: p.Ile2674Val; replaces isoleucine 2674 with valine.
Molecular consequence: missense variant.
Genome position (GRCh38, 1-based): chr6:75,109,098, T>C on the plus strand (A>G on the coding strand, the complement: COL12A1 is on the minus strand). VCF-style: chr6-75109098-T-C. GRCh37 (hg19) VCF-style: chr6-75818814-T-C.
Other names: c.4528A>G, p.Ile1510Val (NM_080645.3); c.8020A>G (NM_004370.5); short protein forms I1510V, I2674V.
Identifiers: ClinVar variation 1046969 (VCV001046969.10), dbSNP rs1199162597, ClinGen allele CA364741631.